The following is an entry in ClinVar:

NM_001386140.1(MTTP):c.415C>T (p.Gln139Ter)

Gene: MTTP (microsomal triglyceride transfer protein; plus strand). Cytogenetic location: 4q23.
Variant type: single nucleotide variant.
Coding change: c.415C>T on transcript NM_001386140.1 (MANE Select); coding-DNA position 415, C replaced by T.
Protein change: p.Gln139Ter; replaces glutamine 139 with a stop codon.
Molecular consequence: nonsense.
Genome position (GRCh38, 1-based): chr4:99,589,664, C>T. VCF-style: chr4-99589664-C-T. GRCh37 (hg19) VCF-style: chr4-100510821-C-T.
Other names: c.415C>T (NM_000253.3); c.415C>T, p.Gln139Ter (NM_000253.4); c.166C>T, p.Gln56Ter (NM_001300785.2); short protein forms Q139*, Q56*.
Identifiers: ClinVar variation 2107362 (VCV002107362.5), dbSNP rs2476102752, ClinGen allele CA357503379.

ClinVar aggregate classification (germline): Pathogenic/Likely pathogenic. Review status: criteria provided, multiple submitters, no conflicts (2 of 4 stars). 2 submissions from 2 submitters: Pathogenic (1); Likely pathogenic (1). Last evaluated 2024-12-21.

Conditions:
Abetalipoproteinaemia (ABL). Also called: MTP DEFICIENCY; Abetalipoproteinemia; Abetalipoproteinemia neuropathy; Apolipoprotein B deficiency; Congenital betalipoprotein deficiency syndrome. Identifiers: Orphanet 14, MedGen C0000744, MONDO:0008692, OMIM 200100, HP:0008181.

Submissions (2):

Natera, Inc.
Classification: Likely pathogenic for Abetalipoproteinemia. Last evaluated: 2024-12-21. Review status: criteria provided, single submitter. Criteria: Natera Variant Classification Schema (03/2026). Collection method: clinical testing. Allele origin: germline.
Comment: The c.415C>T variant in MTTP is a nonsense variant predicted to introduce a stop codon at amino acid 139. This variant is expected to result in nonsense mediated decay, truncation, or a dysfunctional protein product. This variant is rare in the general population with a frequency below the threshold expected for the associated phenotype(s). Given the available evidence, this variant is classified as Likely Pathogenic.

Labcorp Genetics (formerly Invitae), Labcorp
Classification: Pathogenic. Last evaluated: 2022-03-06. Review status: criteria provided, single submitter. Criteria: Invitae Variant Classification Sherloc (09022015). Collection method: clinical testing. Allele origin: germline.
Comment: This sequence change creates a premature translational stop signal (p.Gln139*) in the MTTP gene. It is expected to result in an absent or disrupted protein product. Loss-of-function variants in MTTP are known to be pathogenic (PMID: 8533758, 9671739). This variant is not present in population databases (gnomAD no frequency). This variant has not been reported in the literature in individuals affected with MTTP-related conditions. Algorithms developed to predict the effect of sequence changes on RNA splicing suggest that this variant may disrupt the consensus splice site. For these reasons, this variant has been classified as Pathogenic.

Literature cited by the submitters: PubMed 8533758 (cited by Labcorp Genetics (formerly Invitae), Labcorp); PubMed 9671739 (cited by Labcorp Genetics (formerly Invitae), Labcorp).